The following is an entry in ClinVar:

NM_004370.6(COL12A1):c.1466A>G (p.His489Arg)

Gene: COL12A1 (collagen type XII alpha 1 chain; minus strand). Cytogenetic location: 6q13.
Variant type: single nucleotide variant.
Coding change: c.1466A>G on transcript NM_004370.6 (MANE Select); coding-DNA position 1466, A replaced by G.
Protein change: p.His489Arg; replaces histidine 489 with arginine.
Molecular consequence: missense variant. On other transcripts: intron variant (2).
Genome position (GRCh38, 1-based): chr6:75,183,475, T>C on the plus strand (A>G on the coding strand, the complement: COL12A1 is on the minus strand). VCF-style: chr6-75183475-T-C. GRCh37 (hg19) VCF-style: chr6-75893191-T-C.
Other names: c.1466A>G, p.His489Arg (NM_001424113.1, NM_001424114.1, NM_001424115.1); c.73+19245A>G (NM_001424116.1, NM_080645.3); short protein forms H489R.
Identifiers: ClinVar variation 4072500 (VCV004072500.1).
Genomic context (GRCh38, chr6:75,183,475, plus strand): 5'-GTGTTTATTGCTTCAATTATATCTTCAACTTTGGTGAATTTTTTCAAAGTGAACTCAGTA[T>C]GAGGATCCCGGCTGTATTGCACAAGACTAATCTGGACCCTATTTGGTGAAATTTCAAAAC-3'
Protein context (NP_004361.3, residues 479-499): ISLVQYSRDP[His489Arg]TEFTLKKFTK

ClinVar aggregate classification (germline): Uncertain significance (1 of 4 stars; one submission).

Submission:

GeneDx
Classification: Uncertain significance. Last evaluated: 2025-02-04. Review status: criteria provided, single submitter. Criteria: GeneDx Variant Classification Process June 2021. Collection method: clinical testing. Allele origin: germline. Affected: yes.
Comment: Not observed at significant frequency in large population cohorts (gnomAD); In silico analysis indicates that this missense variant does not alter protein structure/function; Has not been previously published as pathogenic or benign to our knowledge